The following is an entry in ClinVar:

NM_003119.4(SPG7):c.1324+4240G>A

Gene: SPG7 (SPG7 matrix AAA peptidase subunit, paraplegin; plus strand). Cytogenetic location: 16q24.3.
Variant type: single nucleotide variant.
Coding change: c.1324+4240G>A on transcript NM_003119.4 (MANE Select); 4240 bases into the intron after coding-DNA position 1324, G replaced by A.
Molecular consequence: intron variant. On other transcripts: missense variant (1).
Genome position (GRCh38, 1-based): chr16:89,536,876, G>A. VCF-style: chr16-89536876-G-A. GRCh37 (hg19) VCF-style: chr16-89603284-G-A.
Other names: c.1436G>A, p.Gly479Asp (NM_199367.3); c.1324+4240G>A (NM_001363850.1); short protein forms G479D.
Identifiers: ClinVar variation 4987111 (VCV004987111.1).
Genomic context (GRCh38, chr16:89,536,876, plus strand): 5'-GAAAGACCCCCGCCTGCTCCTGTCTCACGGAGCCCACAGGGTCACGGAGGGCAATGGAGG[G>A]TCATTCGCTCTGCTGGGGTTGCCTTTTGCACTGAAGATAGAGACCACCTTTTTGAGTGAC-3'

ClinVar aggregate classification (germline): Likely benign (1 of 4 stars; one submission).

Conditions:
SPG7-related disorder. Also called: SPG7-related condition.

gnomAD v4.1: 158 of 1,614,066 alleles (0.0098%); highest among the groups gnomAD compares: African/African-American, 0.19%; no homozygotes.

Submission:

PreventionGenetics, part of Exact Sciences
Classification: Likely benign for SPG7-related condition. Last evaluated: 2025-07-09. Review status: criteria provided, single submitter. Criteria: ACMG Guidelines, 2015. Collection method: clinical testing. Allele origin: germline.
Comment: This variant is classified as likely benign based on ACMG/AMP sequence variant interpretation guidelines (Richards et al. 2015 PMID: 25741868, with internal and published modifications).